The following is an entry in ClinVar:

ClinVar aggregate classification (germline): Uncertain significance. Review status: criteria provided, multiple submitters, no conflicts (2 of 4 stars). 3 submissions from 3 submitters: Uncertain significance (3). Last evaluated 2026-09-10.

Conditions:
Inborn genetic diseases. Identifiers: MedGen C0950123, MeSH D030342.
TECTA-related disorder. Also called: TECTA-related condition.

Allele frequency attached by ClinVar (database versions not stated): gnomAD exomes below 0.00001; gnomAD 0.00001; TOPMed 0.00003.
gnomAD v4.1: 2 of 1,613,964 alleles (0.00012%); highest among the groups gnomAD compares: Admixed American, 0.0033%; no homozygotes.

Submissions (3):

PreventionGenetics, part of Exact Sciences
Classification: Uncertain significance for TECTA-related condition. Last evaluated: 2026-09-10. Review status: criteria provided, single submitter. Criteria: ACMG Guidelines, 2015. Collection method: clinical testing. Allele origin: germline.
Comment: The TECTA c.4544C>T variant is predicted to result in the amino acid substitution p.Thr1515Ile. To our knowledge, this variant has not been reported in the literature. This variant is reported in 0.0029% of alleles in individuals of Latino descent in gnomAD. At this time, the clinical significance of this variant is uncertain due to the absence of conclusive functional and genetic evidence.

Ambry Genetics
Classification: Uncertain significance for Inborn genetic diseases. Last evaluated: 2025-11-24. Review status: criteria provided, single submitter. Criteria: Ambry Variant Classification Scheme 2023. Collection method: clinical testing. Allele origin: germline.

Labcorp Genetics (formerly Invitae), Labcorp
Classification: Uncertain significance. Last evaluated: 2022-07-18. Review status: criteria provided, single submitter. Criteria: Invitae Variant Classification Sherloc (09022015). Collection method: clinical testing. Allele origin: germline.
Comment: In summary, the available evidence is currently insufficient to determine the role of this variant in disease. Therefore, it has been classified as a Variant of Uncertain Significance. This sequence change replaces threonine, which is neutral and polar, with isoleucine, which is neutral and non-polar, at codon 1515 of the TECTA protein (p.Thr1515Ile). This variant is present in population databases (no rsID available, gnomAD 0.003%). This variant has not been reported in the literature in individuals affected with TECTA-related conditions. Algorithms developed to predict the effect of missense changes on protein structure and function (SIFT, PolyPhen-2, Align-GVGD) all suggest that this variant is likely to be disruptive.

NM_005422.4(TECTA):c.4544C>T (p.Thr1515Ile)

Genes: TBCEL-TECTA (TBCEL-TECTA readthrough; plus strand), TECTA (tectorin alpha; plus strand). Cytogenetic location: 11q23.3.
Variant type: single nucleotide variant.
Coding change: c.4544C>T on transcript NM_005422.4 (MANE Select); coding-DNA position 4544, C replaced by T.
Protein change: p.Thr1515Ile; replaces threonine 1515 with isoleucine.
Molecular consequence: missense variant.
Genome position (GRCh38, 1-based): chr11:121,158,079, C>T. VCF-style: chr11-121158079-C-T. GRCh37 (hg19) VCF-style: chr11-121028788-C-T.
Other names: c.5501C>T, p.Thr1834Ile (NM_001378761.1); short protein forms T1515I, T1834I.
Identifiers: ClinVar variation 2160026 (VCV002160026.7), dbSNP rs905085529, ClinGen allele CA229844343.